The following is an entry in ClinVar:

ClinVar aggregate classification (germline): Pathogenic. Review status: criteria provided, multiple submitters, no conflicts (2 of 4 stars). 2 submissions from 2 submitters: Pathogenic (2). Last evaluated 2021-09-18.

Conditions:
Osteogenesis imperfecta type I (OI1). Also called: Lobstein's Disease; OI, TYPE I; OSTEOGENESIS IMPERFECTA TARDA; OSTEOGENESIS IMPERFECTA WITH BLUE SCLERAE; Osteogenesis imperfecta type 1; Lobstein disease. Identifiers: Orphanet 216796, Orphanet 666, MedGen C0023931, MONDO:0008146, OMIM 166200. Disease mechanism: loss of function.
Osteogenesis imperfecta (OI). Identifiers: Orphanet 666, MedGen C0029434, MeSH D010013, MONDO:0019019.

Submissions (2):

Labcorp Genetics (formerly Invitae), Labcorp
Classification: Pathogenic for Osteogenesis imperfecta type I. Last evaluated: 2021-09-18. Review status: criteria provided, single submitter. Criteria: Invitae Variant Classification Sherloc (09022015). Collection method: clinical testing. Allele origin: germline.
Comment: This sequence change creates a premature translational stop signal (p.Leu1005*) in the COL1A1 gene. It is expected to result in an absent or disrupted protein product. Loss-of-function variants in COL1A1 are known to be pathogenic (PMID: 7942841, 9295084, 9443882). This variant is not present in population databases (ExAC no frequency). This variant has not been reported in the literature in individuals affected with COL1A1-related conditions. Algorithms developed to predict the effect of sequence changes on RNA splicing suggest that this variant may create or strengthen a splice site. For these reasons, this variant has been classified as Pathogenic.

Institute of Human Genetics, Cologne University
Classification: Pathogenic for Osteogenesis imperfecta. Last evaluated: 2020-11-12. Review status: criteria provided, single submitter. Criteria: ACMG Guidelines, 2015. Collection method: clinical testing. Allele origin: unknown. Affected: yes.

Literature cited by the submitters: PubMed 7942841 (cited by Labcorp Genetics (formerly Invitae), Labcorp); PubMed 9295084 (cited by Labcorp Genetics (formerly Invitae), Labcorp); PubMed 9443882 (cited by Labcorp Genetics (formerly Invitae), Labcorp).

NM_000088.4(COL1A1):c.3014T>A (p.Leu1005Ter)

Gene: COL1A1 (collagen type I alpha 1 chain; minus strand). Cytogenetic location: 17q21.33.
Variant type: single nucleotide variant.
Coding change: c.3014T>A on transcript NM_000088.4 (MANE Select); coding-DNA position 3014, T replaced by A.
Protein change: p.Leu1005Ter; replaces leucine 1005 with a stop codon.
Molecular consequence: nonsense.
Genome position (GRCh38, 1-based): chr17:50,188,934, A>T on the plus strand (T>A on the coding strand, the complement: COL1A1 is on the minus strand). VCF-style: chr17-50188934-A-T. GRCh37 (hg19) VCF-style: chr17-48266295-A-T.
Other names: short protein forms L1005*.
Identifiers: ClinVar variation 1328469 (VCV001328469.7), dbSNP rs2144547622, ClinGen allele CA400203807.
Genomic context (GRCh38, chr17:50,188,934, plus strand): 5'-TACTGGCATGGGGGCTGGGGACTGCTCACCTCACGTCCAGATTCACCAGGGGGTCCAGCC[A>T]ATCCAGGGGGGCCCATGGGACCAGGGGGACCACGTTCACCACTTGCTCCAGAGGGACCTT-3'